The following is an entry in ClinVar:

ClinVar aggregate classification (germline): Uncertain significance (1 of 4 stars; one submission).

Conditions:
Fanconi anemia (FA). Also called: Fanconi's anemia. Identifiers: Orphanet 84, MedGen C0015625, MeSH D005199, MONDO:0019391.

Allele frequency attached by ClinVar (database versions not stated): gnomAD exomes below 0.00001.
gnomAD v4.1: 1 of 1,614,156 alleles (0.000062%); highest among the groups gnomAD compares: Non-Finnish European, 0.000085%; no homozygotes.

Submission:

Labcorp Genetics (formerly Invitae), Labcorp
Classification: Uncertain significance for Fanconi anemia. Last evaluated: 2025-06-03. Review status: criteria provided, single submitter. Criteria: Invitae Variant Classification Sherloc (09022015). Collection method: clinical testing. Allele origin: germline.
Comment: This sequence change replaces glutamic acid, which is acidic and polar, with glycine, which is neutral and non-polar, at codon 544 of the FANCC protein (p.Glu544Gly). This variant is not present in population databases (gnomAD no frequency). This variant has not been reported in the literature in individuals affected with FANCC-related conditions. ClinVar contains an entry for this variant (Variation ID: 1997899). Invitae Evidence Modeling of protein sequence and biophysical properties (such as structural, functional, and spatial information, amino acid conservation, physicochemical variation, residue mobility, and thermodynamic stability) indicates that this missense variant is not expected to disrupt FANCC protein function with a negative predictive value of 80%. In summary, the available evidence is currently insufficient to determine the role of this variant in disease. Therefore, it has been classified as a Variant of Uncertain Significance.

NM_000136.3(FANCC):c.1631A>G (p.Glu544Gly)

Genes: AOPEP (aminopeptidase O (putative); plus strand), FANCC (FA complementation group C; minus strand). Cytogenetic location: 9q22.32.
Variant type: single nucleotide variant.
Coding change: c.1631A>G on transcript NM_000136.3 (MANE Select); coding-DNA position 1631, A replaced by G.
Protein change: p.Glu544Gly; replaces glutamic acid 544 with glycine.
Molecular consequence: missense variant.
Genome position (GRCh38, 1-based): chr9:95,101,753, T>C on the plus strand (A>G on the coding strand, the complement: FANCC is on the minus strand). VCF-style: chr9-95101753-T-C. GRCh37 (hg19) VCF-style: chr9-97864035-T-C.
Other names: c.1631A>G, p.Glu544Gly (NM_001243743.2); short protein forms E544G.
Identifiers: ClinVar variation 1997899 (VCV001997899.4), dbSNP rs2540749568, ClinGen allele CA374104364.